The following is an entry in ClinVar:

NM_001365480.1(CCDC88A):c.182G>C (p.Ser61Thr)

Gene: CCDC88A (coiled-coil and HOOK domain protein 88A; minus strand). Cytogenetic location: 2p16.1.
Variant type: single nucleotide variant.
Coding change: c.182G>C on transcript NM_001365480.1 (MANE Select); coding-DNA position 182, G replaced by C.
Protein change: p.Ser61Thr; replaces serine 61 with threonine.
Molecular consequence: missense variant.
Genome position (GRCh38, 1-based): chr2:55,388,869, C>G on the plus strand (G>C on the coding strand, the complement: CCDC88A is on the minus strand). VCF-style: chr2-55388869-C-G. GRCh37 (hg19) VCF-style: chr2-55616005-C-G.
Other names: c.182G>C, p.Ser61Thr (NM_001135597.2, NM_001254943.2, NM_018084.5); short protein forms S61T.
Identifiers: ClinVar variation 1386095 (VCV001386095.6), dbSNP rs2104892932, ClinGen allele CA346905381.

ClinVar aggregate classification (germline): Uncertain significance (1 of 4 stars; one submission).

Submission:

Labcorp Genetics (formerly Invitae), Labcorp
Classification: Uncertain significance. Last evaluated: 2022-03-08. Review status: criteria provided, single submitter. Criteria: Invitae Variant Classification Sherloc (09022015). Collection method: clinical testing. Allele origin: germline.
Comment: This variant has not been reported in the literature in individuals affected with CCDC88A-related conditions. Algorithms developed to predict the effect of missense changes on protein structure and function (SIFT, PolyPhen-2, Align-GVGD) all suggest that this variant is likely to be tolerated. In summary, the available evidence is currently insufficient to determine the role of this variant in disease. Therefore, it has been classified as a Variant of Uncertain Significance. This sequence change replaces serine, which is neutral and polar, with threonine, which is neutral and polar, at codon 61 of the CCDC88A protein (p.Ser61Thr). This variant is not present in population databases (gnomAD no frequency).